The following is an entry in ClinVar:

ClinVar aggregate classification (germline): Uncertain significance. Review status: criteria provided, multiple submitters, no conflicts (2 of 4 stars). 2 submissions from 2 submitters: Uncertain significance (2). Last evaluated 2025-02-27.

Conditions:
Cardiovascular phenotype. Identifiers: MedGen CN230736.
Hypertrophic cardiomyopathy 14. Identifiers: MedGen C2750467, MONDO:0013197, OMIM 613251.

Allele frequency attached by ClinVar (database versions not stated): TOPMed below 0.00001; gnomAD 0.00001; gnomAD exomes 0.00001.
gnomAD v4.1: 13 of 1,614,046 alleles (0.00081%); highest among the groups gnomAD compares: Admixed American, 0.0017%; no homozygotes.

Submissions (2):

Ambry Genetics
Classification: Uncertain significance for Cardiovascular phenotype. Last evaluated: 2025-02-27. Review status: criteria provided, single submitter. Criteria: Ambry Variant Classification Scheme 2023. Collection method: clinical testing. Allele origin: germline.

Labcorp Genetics (formerly Invitae), Labcorp
Classification: Uncertain significance for Hypertrophic cardiomyopathy 14. Last evaluated: 2023-07-08. Review status: criteria provided, single submitter. Criteria: Invitae Variant Classification Sherloc (09022015). Collection method: clinical testing. Allele origin: germline.
Comment: This sequence change replaces arginine, which is basic and polar, with glutamine, which is neutral and polar, at codon 1911 of the MYH6 protein (p.Arg1911Gln). This variant is present in population databases (no rsID available, gnomAD 0.004%). This variant has not been reported in the literature in individuals affected with MYH6-related conditions. ClinVar contains an entry for this variant (Variation ID: 1524093). Advanced modeling of protein sequence and biophysical properties (such as structural, functional, and spatial information, amino acid conservation, physicochemical variation, residue mobility, and thermodynamic stability) performed at Invitae indicates that this missense variant is not expected to disrupt MYH6 protein function. In summary, the available evidence is currently insufficient to determine the role of this variant in disease. Therefore, it has been classified as a Variant of Uncertain Significance.

NM_002471.4(MYH6):c.5732G>A (p.Arg1911Gln)

Gene: MYH6 (myosin heavy chain 6; minus strand). Cytogenetic location: 14q11.2.
Variant type: single nucleotide variant.
Coding change: c.5732G>A on transcript NM_002471.4 (MANE Select); coding-DNA position 5732, G replaced by A.
Protein change: p.Arg1911Gln; replaces arginine 1911 with glutamine.
Molecular consequence: missense variant.
Genome position (GRCh38, 1-based): chr14:23,382,492, C>T on the plus strand (G>A on the coding strand, the complement: MYH6 is on the minus strand). VCF-style: chr14-23382492-C-T. GRCh37 (hg19) VCF-style: chr14-23851701-C-T.
Other names: c.5732G>A (NM_002471.3); short protein forms R1911Q.
Identifiers: ClinVar variation 1524093 (VCV001524093.9), dbSNP rs1463159568, ClinGen allele CA388981525.